The following is an entry in ClinVar:

ClinVar aggregate classification (germline): Uncertain significance. Review status: criteria provided, multiple submitters, no conflicts (2 of 4 stars). 2 submissions from 2 submitters: Uncertain significance (2). Last evaluated 2022-09-13.

Conditions:
Familial cold autoinflammatory syndrome 2 (FCAS2). Identifiers: Orphanet 247868, MedGen C2673198, MONDO:0012724, OMIM 611762.

Allele frequency attached by ClinVar (database versions not stated): gnomAD exomes below 0.00001; gnomAD 0.00001; TOPMed 0.00002.
gnomAD v4.1: 27 of 1,613,912 alleles (0.0017%); highest among the groups gnomAD compares: Non-Finnish European, 0.0021%; no homozygotes.

Submissions (2):

Labcorp Genetics (formerly Invitae), Labcorp
Classification: Uncertain significance for Familial cold autoinflammatory syndrome 2. Last evaluated: 2022-09-13. Review status: criteria provided, single submitter. Criteria: Invitae Variant Classification Sherloc (09022015). Collection method: clinical testing. Allele origin: germline.
Comment: In summary, the available evidence is currently insufficient to determine the role of this variant in disease. Therefore, it has been classified as a Variant of Uncertain Significance. Algorithms developed to predict the effect of sequence changes on RNA splicing suggest that this variant may create or strengthen a splice site. ClinVar contains an entry for this variant (Variation ID: 566058). This variant has not been reported in the literature in individuals affected with NLRP12-related conditions. This variant is present in population databases (no rsID available, gnomAD 0.0009%). This sequence change falls in intron 8 of the NLRP12 gene. It does not directly change the encoded amino acid sequence of the NLRP12 protein.

Illumina Laboratory Services, Illumina
Classification: Uncertain significance for Familial cold autoinflammatory syndrome 2. Last evaluated: 2018-01-13. Review status: criteria provided, single submitter. Criteria: ICSL Variant Classification Criteria 13 December 2019. Collection method: clinical testing. Allele origin: germline.

NM_144687.4(NLRP12):c.2928-4C>G

Gene: NLRP12 (NLR family pyrin domain containing 12; minus strand). Cytogenetic location: 19q13.42.
Variant type: single nucleotide variant.
Coding change: c.2928-4C>G on transcript NM_144687.4 (MANE Select); 4 bases into the intron before coding-DNA position 2928, C replaced by G.
Molecular consequence: intron variant.
Genome position (GRCh38, 1-based): chr19:53,796,033, G>C on the plus strand (C>G on the coding strand, the complement: NLRP12 is on the minus strand). VCF-style: chr19-53796033-G-C. GRCh37 (hg19) VCF-style: chr19-54299287-G-C.
Other names: c.2757-4C>G (NM_001277129.1); c.2931-4C>G (NM_001277126.2).
Identifiers: ClinVar variation 566058 (VCV000566058.12), dbSNP rs980154436, ClinGen allele CA310058245.